The following is an entry in ClinVar:

ClinVar aggregate classification (germline): Likely pathogenic (1 of 4 stars; one submission).

Conditions:
Hematuria. Identifiers: MedGen C0018965, HP:0000790.

gnomAD v4.1: 3 of 1,209,763 alleles (0.00025%); highest among the groups gnomAD compares: Non-Finnish European, 0.00034%; no homozygotes.

Submission:

Genetics Laboratory, Great Ormond Street Hospital NHS Foundation Trust, North Thames Genomic Laboratory Hub
Classification: Likely pathogenic for Haematuria. Last evaluated: 2026-06-13. Review status: criteria provided, single submitter. Criteria: ACGS Best Practice Guidelines for Variant Classification in Rare Disease 2024 v1.2. Collection method: clinical testing. Allele origin: germline. Affected: yes.
Comment: PS4_supporting, PM2_moderate, PP3_supporting, PM1_moderate, PP4_supporting

NM_033380.3(COL4A5):c.4702A>C (p.Ser1568Arg)

Gene: COL4A5 (collagen type IV alpha 5 chain; plus strand). Cytogenetic location: Xq22.3.
Variant type: single nucleotide variant.
Coding change: c.4702A>C on transcript NM_033380.3 (MANE Select); coding-DNA position 4702, A replaced by C.
Protein change: p.Ser1568Arg; replaces serine 1568 with arginine.
Molecular consequence: missense variant.
Genome position (GRCh38, 1-based): chrX:108,692,921, A>C. VCF-style: chrX-108692921-A-C. GRCh37 (hg19) VCF-style: chrX-107936151-A-C.
Other names: c.4684A>C, p.Ser1562Arg (NM_000495.5); short protein forms S1562R, S1568R.
Identifiers: ClinVar variation 4814252 (VCV004814252.2).